The following is an entry in ClinVar:

ClinVar aggregate classification (germline): Conflicting classifications of pathogenicity. Review status: criteria provided, conflicting classifications (1 of 4 stars). 5 submissions from 4 submitters: Uncertain significance (1); Benign (2); Likely benign (2). Last evaluated 2024-11-13.

Conditions:
Hereditary angioedema type 3 (HAE3). Also called: ESTROGEN-RELATED HAE; ESTROGEN-SENSITIVE HAE; HAE WITH NORMAL C1 INHIBITOR CONCENTRATION AND FUNCTION; ANGIONEUROTIC EDEMA, HEREDITARY, WITH NORMAL C1 INHIBITOR CONCENTRATION AND FUNCTION. Identifiers: Orphanet 100054, MedGen C1857728, MONDO:0012526, OMIM 610618.
Factor XII deficiency disease. Also called: F12 DEFICIENCY; HAF DEFICIENCY; Reduced factor XII activity; Congenital factor XII deficiency. Identifiers: Orphanet 330, MedGen C0015526, MONDO:0009315, OMIM 234000, HP:0004841.

Allele frequency attached by ClinVar (database versions not stated): gnomAD exomes 0.00020 and 0.00042; ExAC 0.00045; 1000 Genomes Project 30x 0.00047; 1000 Genomes Project 0.00060; gnomAD 0.00081; ESP Exome Variant Server 0.00085; TOPMed 0.00086.

Submissions (5):

Blueprint Genetics
Classification: Likely benign. Last evaluated: 2024-11-13. Review status: criteria provided, single submitter. Criteria: ACMG Guidelines, 2015. Collection method: clinical testing. Allele origin: germline.

Labcorp Genetics (formerly Invitae), Labcorp
Classification: Benign. Last evaluated: 2024-07-10. Review status: criteria provided, single submitter. Criteria: Invitae Variant Classification Sherloc (09022015). Collection method: clinical testing. Allele origin: germline.

CeGaT Center for Human Genetics Tuebingen
Classification: Likely benign. Last evaluated: 2024-01-01. Review status: criteria provided, single submitter. Criteria: CeGaT Center For Human Genetics Tuebingen Variant Classification Criteria Version 2. Collection method: clinical testing. Allele origin: germline. Affected: yes. Observed: 2 variant alleles.
Comment: F12: BP4, BP7

Illumina Laboratory Services, Illumina
Classification: Benign for Hereditary angioedema type 3. Last evaluated: 2018-01-13. Review status: criteria provided, single submitter. Criteria: ICSL Variant Classification Criteria 13 December 2019. Collection method: clinical testing. Allele origin: germline.
Comment: This variant was observed in the ICSL laboratory as part of a predisposition screen in an ostensibly healthy population. It had not been previously curated by ICSL or reported in the Human Gene Mutation Database (HGMD: prior to June 1st, 2018), and was therefore a candidate for classification through an automated scoring system. Utilizing variant allele frequency, disease prevalence and penetrance estimates, and inheritance mode, an automated score was calculated to assess if this variant is too frequent to cause the disease. Based on the score and internal cut-off values, a variant classified as benign is not then subjected to further curation. The score for this variant resulted in a classification of benign for this disease.

Illumina Laboratory Services, Illumina
Classification: Uncertain significance for Factor XII deficiency disease. Last evaluated: 2018-01-13. Review status: criteria provided, single submitter. Criteria: ICSL Variant Classification Criteria 13 December 2019. Collection method: clinical testing. Allele origin: germline.

NM_000505.4(F12):c.348C>A (p.Gly116=)

Gene: F12 (coagulation factor XII; minus strand). Cytogenetic location: 5q35.3.
Variant type: single nucleotide variant.
Coding change: c.348C>A on transcript NM_000505.4 (MANE Select); coding-DNA position 348, C replaced by A.
Protein change: p.Gly116=; no amino-acid change (glycine 116 retained).
Molecular consequence: synonymous variant.
Genome position (GRCh38, 1-based): chr5:177,405,372, G>T on the plus strand (C>A on the coding strand, the complement: F12 is on the minus strand). VCF-style: chr5-177405372-G-T. GRCh37 (hg19) VCF-style: chr5-176832373-G-T.
Identifiers: ClinVar variation 353003 (VCV000353003.31), dbSNP rs140243617, ClinGen allele CA3581518.